The following is an entry in ClinVar:

NM_000051.4(ATM):c.6573-23_6573-5del

Genes: ATM (ATM serine/threonine kinase; plus strand), C11orf65 (chromosome 11 open reading frame 65; minus strand). Cytogenetic location: 11q22.3.
Variant type: Deletion.
Coding change: c.6573-23_6573-5del on transcript NM_000051.4 (MANE Select); 23 bases into the intron before coding-DNA position 6573 through 5 bases into the intron before coding-DNA position 6573, 19 bases deleted (GAACTCTATGTCGTGGCAT).
Molecular consequence: intron variant.
Genome position (GRCh38, 1-based): chr11:108,325,287-108,325,305, GAACTCTATGTCGTGGCAT deleted; deleting any 19 consecutive bases within chr11:108,325,284-108,325,305 gives the same sequence; the c. name uses the placement nearest the transcript's 3' end. VCF-style (leftmost placement, unchanged base first): chr11-108325283-ACATGAACTCTATGTCGTGG-A. GRCh37 (hg19) VCF-style: chr11-108196010-ACATGAACTCTATGTCGTGG-A.
Other names: c.6573-23_6573-5del (NM_001351834.2); c.641-16231_641-16213del (NM_001330368.2); c.*38+9918_*38+9936del (NM_001351110.2).
Identifiers: ClinVar variation 2774700 (VCV002774700.1), dbSNP rs2547198375, ClinGen allele CA2697556938.
Genomic context (GRCh38, chr11:108,325,283, plus strand): 5'-ATATCGTAAGTTCCAGAACTTACATAGTTTTTTTTTTTTTTTTTTTCATTTCTCTTGCTT[ACATGAACTCTATGTCGTGG>A]CATTCAGATCAGTCACACATAGACAACTCTCTGAAGTATATATTAAGTGGCAGAAACACT-3'

ClinVar aggregate classification (germline): Uncertain significance (1 of 4 stars; one submission).

Conditions:
Hereditary cancer-predisposing syndrome. Also called: Tumor predisposition; Neoplastic Syndromes, Hereditary; Hereditary Cancer Syndrome; Hereditary neoplastic syndrome. Identifiers: Orphanet 140162, MedGen C0027672, MeSH D009386, MONDO:0015356.

Submission:

Color Diagnostics, LLC DBA Color Health
Classification: Uncertain significance for Hereditary cancer-predisposing syndrome. Last evaluated: 2023-05-12. Review status: criteria provided, single submitter. Criteria: ACMG Guidelines, 2015. Collection method: clinical testing. Allele origin: germline.
Comment: This variant causes the deletion of 19 nucleotides in intron 45 of the ATM gene. To our knowledge, functional studies have not been reported for this variant. This variant has not been reported in individuals affected with ATM-related disorders in the literature. This variant has not been identified in the general population by the Genome Aggregation Database (gnomAD). The available evidence is insufficient to determine the role of this variant in disease conclusively. Therefore, this variant is classified as a Variant of Uncertain Significance.